The following is an entry in ClinVar:

ClinVar aggregate classification (germline): Uncertain significance (1 of 4 stars; one submission).

gnomAD v4.1: 4 of 1,530,258 alleles (0.00026%); highest among the groups gnomAD compares: South Asian, 0.0048%; no homozygotes.

Submission:

Labcorp Genetics (formerly Invitae), Labcorp
Classification: Uncertain significance. Last evaluated: 2024-09-01. Review status: criteria provided, single submitter. Criteria: Invitae Variant Classification Sherloc (09022015). Collection method: clinical testing. Allele origin: germline.
Comment: This sequence change replaces leucine, which is neutral and non-polar, with phenylalanine, which is neutral and non-polar, at codon 48 of the ANO4 protein (p.Leu48Phe). This variant is not present in population databases (gnomAD no frequency). This variant has not been reported in the literature in individuals affected with ANO4-related conditions. An algorithm developed to predict the effect of missense changes on protein structure and function (PolyPhen-2) suggests that this variant is likely to be tolerated. In summary, the available evidence is currently insufficient to determine the role of this variant in disease. Therefore, it has been classified as a Variant of Uncertain Significance.

NM_001286615.2(ANO4):c.142C>T (p.Leu48Phe)

Gene: ANO4 (anoctamin 4). Cytogenetic location: 12q23.1.
Variant type: single nucleotide variant.
Coding change: c.142C>T on transcript NM_001286615.2 (MANE Select); coding-DNA position 142, C replaced by T.
Protein change: p.Leu48Phe; replaces leucine 48 with phenylalanine.
Molecular consequence: missense variant. On other transcripts: intron variant (1).
Genome position (GRCh38, 1-based): chr12:100,922,312, C>T. VCF-style: chr12-100922312-C-T. GRCh37 (hg19) VCF-style: chr12-101316090-C-T.
Other names: c.142C>T, p.Leu48Phe (NM_001286616.1); c.56-17003C>T (NM_178826.4); short protein forms L48F.
Identifiers: ClinVar variation 3695860 (VCV003695860.2).